The following is an entry in ClinVar:

NM_001353345.2(SETD1B):c.975C>T (p.His325=)

Gene: SETD1B (SET domain containing 1B, histone lysine methyltransferase; plus strand). Cytogenetic location: 12q24.31.
Variant type: single nucleotide variant.
Coding change: c.975C>T on transcript NM_001353345.2 (MANE Select); coding-DNA position 975, C replaced by T.
Protein change: p.His325=; no amino-acid change (histidine 325 retained).
Molecular consequence: synonymous variant.
Genome position (GRCh38, 1-based): chr12:121,809,920, C>T. VCF-style: chr12-121809920-C-T. GRCh37 (hg19) VCF-style: chr12-122247826-C-T.
Other names: NM_015048.1:c.975C>T.
Identifiers: ClinVar variation 3041623 (VCV003041623.2), dbSNP rs972538974, ClinGen allele CA244635969.
Genomic context (GRCh38, chr12:121,809,920, plus strand): 5'-AGTGACCTTCAAGGCCCGGCGCCACGAGAGCAAGTTCACGGACGCCTACAACCGCCGCCA[C>T]GAACATCATTATGTACACAATTCTCCCGCGGTCACTGCGGTGGCCGGGGCCACAGCCGCT-3'
Protein context (NP_001340274.1, residues 315-335): SKFTDAYNRR[His325=]EHHYVHNSPA

ClinVar aggregate classification (germline): Likely benign (0 of 4 stars; one submission).

Conditions:
SETD1B-related disorder. Also called: SETD1B-related condition.

gnomAD v4.1: 26 of 1,551,014 alleles (0.0017%); highest among the groups gnomAD compares: Non-Finnish European, 0.0017%; no homozygotes.

Submission:

PreventionGenetics, part of Exact Sciences
Classification: Likely benign for SETD1B-related condition. Last evaluated: 2019-05-08. Review status: no assertion criteria provided. Collection method: clinical testing. Allele origin: germline.
Comment: This variant is classified as likely benign based on ACMG/AMP sequence variant interpretation guidelines (Richards et al. 2015 PMID: 25741868, with internal and published modifications).